The following is an entry in ClinVar:

NM_000393.5(COL5A2):c.1302+1G>A

Gene: COL5A2 (collagen type V alpha 2 chain; minus strand). Cytogenetic location: 2q32.2.
Variant type: single nucleotide variant.
Coding change: c.1302+1G>A on transcript NM_000393.5 (MANE Select); the canonical splice donor site of the intron after coding-DNA position 1302, G replaced by A.
Molecular consequence: splice donor variant.
Genome position (GRCh38, 1-based): chr2:189,068,225, C>T on the plus strand (G>A on the coding strand, the complement: COL5A2 is on the minus strand). VCF-style: chr2-189068225-C-T. GRCh37 (hg19) VCF-style: chr2-189932951-C-T.
Identifiers: ClinVar variation 3654811 (VCV003654811.2).

ClinVar aggregate classification (germline): Likely pathogenic (1 of 4 stars; one submission).

Conditions:
Ehlers-Danlos syndrome, classic type, 1 (EDSCL1). Also called: EHLERS-DANLOS SYNDROME, GRAVIS TYPE; EHLERS-DANLOS SYNDROME, SEVERE CLASSIC TYPE; Ehlers-Danlos syndrome, type 1; Ehlers-Danlos Syndrome, Classic Type, COL5A1-Related; EDS I. Identifiers: MedGen C0268335, MONDO:0019567, OMIM 130000.

Submission:

Labcorp Genetics (formerly Invitae), Labcorp
Classification: Likely pathogenic for Ehlers-Danlos syndrome, classic type, 1. Last evaluated: 2024-05-27. Review status: criteria provided, single submitter. Criteria: Invitae Variant Classification Sherloc (09022015). Collection method: clinical testing. Allele origin: germline.
Comment: This sequence change affects a donor splice site in intron 20 of the COL5A2 gene. It is expected to disrupt RNA splicing. Variants that disrupt the donor or acceptor splice site typically lead to a loss of protein function (PMID: 16199547), and loss-of-function variants in COL5A2 are known to be pathogenic (PMID: 23587214). This variant is not present in population databases (gnomAD no frequency). This variant has not been reported in the literature in individuals affected with COL5A2-related conditions. Algorithms developed to predict the effect of sequence changes on RNA splicing suggest that this variant may disrupt the consensus splice site. In summary, the currently available evidence indicates that the variant is pathogenic, but additional data are needed to prove that conclusively. Therefore, this variant has been classified as Likely Pathogenic.

Literature cited by the submitters: PubMed 16199547; PubMed 23587214.